The following is an entry in ClinVar:

ClinVar aggregate classification (germline): Uncertain significance (1 of 4 stars; one submission).

Conditions:
Hereditary cancer-predisposing syndrome. Also called: Neoplastic Syndromes, Hereditary; Tumor predisposition; Hereditary Cancer Syndrome; Hereditary neoplastic syndrome. Identifiers: Orphanet 140162, MedGen C0027672, MeSH D009386, MONDO:0015356.

Submission:

Ambry Genetics
Classification: Uncertain significance for Hereditary cancer-predisposing syndrome. Last evaluated: 2024-10-13. Review status: criteria provided, single submitter. Criteria: Ambry Variant Classification Scheme 2023. Collection method: clinical testing. Allele origin: germline.
Comment: The p.V24L variant (also known as c.70G>T), located in coding exon 1 of the NF2 gene, results from a G to T substitution at nucleotide position 70. The valine at codon 24 is replaced by leucine, an amino acid with highly similar properties. This amino acid position is conserved. In addition, the in silico prediction for this alteration is inconclusive. Based on the available evidence, the clinical significance of this variant remains unclear.

NM_000268.4(NF2):c.70G>T (p.Val24Leu)

Gene: NF2 (NF2, moesin-ezrin-radixin like (MERLIN) tumor suppressor; plus strand). Cytogenetic location: 22q12.2.
Variant type: single nucleotide variant.
Coding change: c.70G>T on transcript NM_000268.4 (MANE Select); coding-DNA position 70, G replaced by T.
Protein change: p.Val24Leu; replaces valine 24 with leucine.
Molecular consequence: missense variant. On other transcripts: non-coding transcript variant (1), 5 prime UTR variant (4).
Genome position (GRCh38, 1-based): chr22:29,604,068, G>T. VCF-style: chr22-29604068-G-T. GRCh37 (hg19) VCF-style: chr22-30000057-G-T.
Other names: c.70G>T, p.Val24Leu (NM_181831.3, NM_181832.3, NM_181833.3 and 15 more transcripts); c.-161G>T (NM_001407053.1, NM_001407056.1); c.-571G>T (NM_001407065.1); c.-187G>T (NM_001407067.1); short protein forms V24L.
Identifiers: ClinVar variation 3405005 (VCV003405005.1).